The following is an entry in ClinVar:

ClinVar aggregate classification (germline): Uncertain significance (1 of 4 stars; one submission).

Conditions:
Stormorken syndrome (STRMK). Also called: THROMBOCYTOPATHY, ASPLENIA, AND MIOSIS. Identifiers: Orphanet 3204, MedGen C1861451, MONDO:0008497, OMIM 185070.
Myopathy with tubular aggregates (TAM). Also called: Tubular Aggregate Myopathy. Identifiers: Orphanet 2593, MedGen C0410207, MONDO:0008051.
Combined immunodeficiency due to STIM1 deficiency. Also called: IMMUNODEFICIENCY 10; STIM1 DEFICIENCY. Identifiers: Orphanet 169090, Orphanet 317430, MedGen C2748557, MONDO:0013008, OMIM 612783.

Allele frequency attached by ClinVar (database versions not stated): gnomAD exomes below 0.00001; TOPMed below 0.00001; gnomAD 0.00001.

Submission:

Labcorp Genetics (formerly Invitae), Labcorp
Classification: Uncertain significance for Myopathy with tubular aggregates; Combined immunodeficiency due to STIM1 deficiency; Stormorken syndrome. Last evaluated: 2023-05-02. Review status: criteria provided, single submitter. Criteria: Invitae Variant Classification Sherloc (09022015). Collection method: clinical testing. Allele origin: germline.
Comment: In summary, the available evidence is currently insufficient to determine the role of this variant in disease. Therefore, it has been classified as a Variant of Uncertain Significance. Advanced modeling of protein sequence and biophysical properties (such as structural, functional, and spatial information, amino acid conservation, physicochemical variation, residue mobility, and thermodynamic stability) performed at Invitae indicates that this missense variant is expected to disrupt STIM1 protein function. ClinVar contains an entry for this variant (Variation ID: 1040184). This variant has not been reported in the literature in individuals affected with STIM1-related conditions. This variant is not present in population databases (gnomAD no frequency). This sequence change replaces glycine, which is neutral and non-polar, with aspartic acid, which is acidic and polar, at codon 670 of the STIM1 protein (p.Gly670Asp).

NM_001382567.1(STIM1):c.2102G>A (p.Gly701Asp)

Genes: STIM1 (stromal interaction molecule 1; plus strand), LOC124418421 (Sharpr-MPRA regulatory region 9588; plus strand). Cytogenetic location: 11p15.4.
Variant type: single nucleotide variant.
Coding change: c.2102G>A on transcript NM_001382567.1 (MANE Select); coding-DNA position 2102, G replaced by A.
Protein change: p.Gly701Asp; replaces glycine 701 with aspartic acid.
Molecular consequence: missense variant. On other transcripts: 3 prime UTR variant (4), non-coding transcript variant (3).
Genome position (GRCh38, 1-based): chr11:4,091,749, G>A. VCF-style: chr11-4091749-G-A. GRCh37 (hg19) VCF-style: chr11-4112979-G-A.
Other names: c.2327G>A, p.Gly776Asp (NM_001277961.3); c.*423G>A (NM_001277962.2, NM_001382578.1, NM_001382579.1 and 1 more transcripts); c.2105G>A, p.Gly702Asp (NM_001382566.1); c.2030G>A, p.Gly677Asp (NM_001382568.1); c.1874G>A, p.Gly625Asp (NM_001382569.1); c.1781G>A, p.Gly594Asp (NM_001382570.1); c.1529G>A, p.Gly510Asp (NM_001382571.1); c.1787G>A, p.Gly596Asp (NM_001382575.1, NM_001382576.1, NM_001382577.1); and 2 more; short protein forms G507D, G594D, G596D, G702D, G625D, G670D, G776D, G510D.
Identifiers: ClinVar variation 1040184 (VCV001040184.11), dbSNP rs1355379737, ClinGen allele CA379198318.